The following is an entry in ClinVar:

NM_001164508.2(NEB):c.11977T>C (p.Ser3993Pro)

Gene: NEB (nebulin; minus strand). Cytogenetic location: 2q23.3.
Variant type: single nucleotide variant.
Coding change: c.11977T>C on transcript NM_001164508.2 (MANE Select); coding-DNA position 11977, T replaced by C.
Protein change: p.Ser3993Pro; replaces serine 3993 with proline.
Molecular consequence: missense variant.
Genome position (GRCh38, 1-based): chr2:151,610,557, A>G on the plus strand (T>C on the coding strand, the complement: NEB is on the minus strand). VCF-style: chr2-151610557-A-G. GRCh37 (hg19) VCF-style: chr2-152467071-A-G.
Other names: c.11977T>C, p.Ser3993Pro (NM_001164507.2, NM_001271208.2); c.11248T>C, p.Ser3750Pro (NM_004543.5); short protein forms S3750P, S3993P.
Identifiers: ClinVar variation 1353834 (VCV001353834.8), dbSNP rs2153974640, ClinGen allele CA348778080.

ClinVar aggregate classification (germline): Uncertain significance (1 of 4 stars; one submission).

Conditions:
Nemaline myopathy 2 (NEM2). Also called: Nemaline myopathy 2, autosomal recessive. Identifiers: MedGen C1850569, MONDO:0009725, OMIM 256030.

Submission:

Labcorp Genetics (formerly Invitae), Labcorp
Classification: Uncertain significance for Nemaline myopathy 2. Last evaluated: 2022-02-05. Review status: criteria provided, single submitter. Criteria: Invitae Variant Classification Sherloc (09022015). Collection method: clinical testing. Allele origin: germline.
Comment: This sequence change replaces serine, which is neutral and polar, with proline, which is neutral and non-polar, at codon 3993 of the NEB protein (p.Ser3993Pro). This variant is not present in population databases (gnomAD no frequency). This variant has not been reported in the literature in individuals affected with NEB-related conditions. Algorithms developed to predict the effect of missense changes on protein structure and function output the following: SIFT: "Deleterious"; PolyPhen-2: "Not Available"; Align-GVGD: "Class C0". The proline amino acid residue is found in multiple mammalian species, which suggests that this missense change does not adversely affect protein function. In summary, the available evidence is currently insufficient to determine the role of this variant in disease. Therefore, it has been classified as a Variant of Uncertain Significance.